The following is an entry in ClinVar:

NM_004446.3(EPRS1):c.4444C>A (p.Pro1482Thr)

Gene: EPRS1 (glutamyl-prolyl-tRNA synthetase 1; minus strand). Cytogenetic location: 1q41.
Variant type: single nucleotide variant.
Coding change: c.4444C>A on transcript NM_004446.3 (MANE Select); coding-DNA position 4444, C replaced by A.
Protein change: p.Pro1482Thr; replaces proline 1482 with threonine.
Molecular consequence: missense variant.
Genome position (GRCh38, 1-based): chr1:219,968,901, G>T on the plus strand (C>A on the coding strand, the complement: EPRS1 is on the minus strand). VCF-style: chr1-219968901-G-T. GRCh37 (hg19) VCF-style: chr1-220142243-G-T.
Other names: short protein forms P1482T.
Identifiers: ClinVar variation 3069175 (VCV003069175.3), dbSNP rs930995541, ClinGen allele CA37526642.

ClinVar aggregate classification (germline): Likely pathogenic (1 of 4 stars; one submission).

Conditions:
Leukodystrophy, hypomyelinating, 15. Identifiers: MedGen C4693733, MONDO:0054782, OMIM 617951.

Allele frequency attached by ClinVar (database versions not stated): gnomAD exomes below 0.00001.
gnomAD v4.1: 6 of 1,613,966 alleles (0.00037%); highest among the groups gnomAD compares: South Asian, 0.0066%; no homozygotes.

Submission:

Costain lab, The Hospital for Sick Children
Classification: Likely pathogenic for Leukodystrophy, hypomyelinating, 15. Last evaluated: 2024-01-01. Review status: criteria provided, single submitter. Criteria: ACMG Guidelines, 2015. Collection method: clinical testing, in vivo. Allele origin: biparental, not applicable. Inheritance: Autosomal recessive inheritance. Affected: yes. Observed: 1 homozygote. Functional consequence: variation affecting protein.
Comment: PS3, PM2. Please see PMID: 38769304

Literature cited by the submitters: PubMed 38769304.